The following is an entry in ClinVar:

NM_015338.6(ASXL1):c.2375G>C (p.Gly792Ala)

Gene: ASXL1 (ASXL transcriptional regulator 1; plus strand). Cytogenetic location: 20q11.21.
Variant type: single nucleotide variant.
Coding change: c.2375G>C on transcript NM_015338.6 (MANE Select); coding-DNA position 2375, G replaced by C.
Protein change: p.Gly792Ala; replaces glycine 792 with alanine.
Molecular consequence: missense variant.
Genome position (GRCh38, 1-based): chr20:32,435,087, G>C. VCF-style: chr20-32435087-G-C. GRCh37 (hg19) VCF-style: chr20-31022890-G-C.
Other names: c.2192G>C, p.Gly731Ala (NM_001363734.1); short protein forms G792A, G731A.
Identifiers: ClinVar variation 2375442 (VCV002375442.6), dbSNP rs377589713, ClinGen allele CA9808602.

ClinVar aggregate classification (germline): Conflicting classifications of pathogenicity. Review status: criteria provided, conflicting classifications (1 of 4 stars). 2 submissions from 2 submitters: Uncertain significance (1); Likely benign (1). Last evaluated 2025-03-25.

Conditions:
Inborn genetic diseases. Identifiers: MedGen C0950123, MeSH D030342.

Allele frequency attached by ClinVar (database versions not stated): gnomAD exomes below 0.00001; ExAC 0.00001; gnomAD 0.00003; TOPMed 0.00003; ESP Exome Variant Server 0.00008.
gnomAD v4.1: 11 of 1,613,888 alleles (0.00068%); highest among the groups gnomAD compares: African/African-American, 0.013%; no homozygotes.

Submissions (2):

Ambry Genetics
Classification: Likely benign for Inborn genetic diseases. Last evaluated: 2025-03-25. Review status: criteria provided, single submitter. Criteria: Ambry Variant Classification Scheme 2023. Collection method: clinical testing. Allele origin: germline.

Labcorp Genetics (formerly Invitae), Labcorp
Classification: Uncertain significance. Last evaluated: 2024-07-24. Review status: criteria provided, single submitter. Criteria: Invitae Variant Classification Sherloc (09022015). Collection method: clinical testing. Allele origin: germline.
Comment: This sequence change replaces glycine, which is neutral and non-polar, with alanine, which is neutral and non-polar, at codon 792 of the ASXL1 protein (p.Gly792Ala). This variant is present in population databases (rs377589713, gnomAD 0.01%). This variant has not been reported in the literature in individuals affected with ASXL1-related conditions. ClinVar contains an entry for this variant (Variation ID: 2375442). An algorithm developed to predict the effect of missense changes on protein structure and function (PolyPhen-2) suggests that this variant is likely to be tolerated. In summary, the available evidence is currently insufficient to determine the role of this variant in disease. Therefore, it has been classified as a Variant of Uncertain Significance.